The following is an entry in ClinVar:

ClinVar aggregate classification (germline): Uncertain significance (1 of 4 stars; one submission).

Allele frequency attached by ClinVar (database versions not stated): gnomAD exomes below 0.00001; gnomAD 0.00001; TOPMed 0.00002.
gnomAD v4.1: 4 of 1,428,422 alleles (0.00028%); highest among the groups gnomAD compares: Non-Finnish European, 0.00027%; no homozygotes.

Submission:

Labcorp Genetics (formerly Invitae), Labcorp
Classification: Uncertain significance. Last evaluated: 2022-08-09. Review status: criteria provided, single submitter. Criteria: Invitae Variant Classification Sherloc (09022015). Collection method: clinical testing. Allele origin: germline.
Comment: This variant has not been reported in the literature in individuals affected with CACNA1B-related conditions. In summary, the available evidence is currently insufficient to determine the role of this variant in disease. Therefore, it has been classified as a Variant of Uncertain Significance. Advanced modeling of protein sequence and biophysical properties (such as structural, functional, and spatial information, amino acid conservation, physicochemical variation, residue mobility, and thermodynamic stability) performed at Invitae indicates that this missense variant is not expected to disrupt CACNA1B protein function. The frequency data for this variant in the population databases is considered unreliable, as metrics indicate poor data quality at this position in the gnomAD database. This sequence change replaces alanine, which is neutral and non-polar, with valine, which is neutral and non-polar, at codon 871 of the CACNA1B protein (p.Ala871Val).

NM_000718.4(CACNA1B):c.2612C>T (p.Ala871Val)

Gene: CACNA1B (calcium voltage-gated channel subunit alpha1 B; plus strand). Cytogenetic location: 9q34.3.
Variant type: single nucleotide variant.
Coding change: c.2612C>T on transcript NM_000718.4 (MANE Select); coding-DNA position 2612, C replaced by T.
Protein change: p.Ala871Val; replaces alanine 871 with valine.
Molecular consequence: missense variant.
Genome position (GRCh38, 1-based): chr9:138,023,355, C>T. VCF-style: chr9-138023355-C-T. GRCh37 (hg19) VCF-style: chr9-140917807-C-T.
Other names: c.2612C>T, p.Ala871Val (NM_001243812.2); short protein forms A871V.
Identifiers: ClinVar variation 2114416 (VCV002114416.3), dbSNP rs1160731211, ClinGen allele CA375809764.
Genomic context (GRCh38, chr9:138,023,355, plus strand): 5'-ACCACCGGCACCGCGACAAGGACAAGACCCCCGCGGCGGGGGACCAGGACCGAGCAGAGG[C>T]CCCGAAGGCGGAGAGCGGGGAGCCCGGTGCCCGGGAGGAGCGGCCGCGGCCGCACCGCAG-3'
Protein context (NP_000709.1, residues 861-881): PAAGDQDRAE[Ala871Val]PKAESGEPGA